The following is an entry in ClinVar:

ClinVar aggregate classification (germline): Conflicting classifications of pathogenicity. Review status: criteria provided, conflicting classifications (1 of 4 stars). 7 submissions from 6 submitters: Uncertain significance (2); Benign (3); Likely benign (1). 1 of the submissions does not count toward it. Last evaluated 2026-01-26.

Conditions:
Retinal dystrophy. Also called: Inherited retinal dystrophy. Identifiers: Orphanet 71862, MedGen C0854723, MeSH D058499, MONDO:0019118, HP:0000556.
Retinitis pigmentosa (RP). Identifiers: Orphanet 791, MedGen C0035334, MeSH D012174, MONDO:0019200, OMIM 268000. Inheritance: Autosomal dominant, autosomal recessive and X linked inheritance.
Oguchi disease. Also called: Oguchi's disease. Identifiers: Orphanet 75382, MedGen C1306122, MONDO:0019152.

Allele frequency attached by ClinVar (database versions not stated): 1000 Genomes Project 30x 0.00718; gnomAD exomes 0.00057 and 0.00132; ExAC 0.00213; gnomAD 0.00502 and 0.00530; TOPMed 0.00541; ESP Exome Variant Server 0.00560; 1000 Genomes Project 0.00679.
gnomAD v4.1: 1,629 of 1,605,728 alleles (0.1%); highest among the groups gnomAD compares: African/African-American, 1.7%; 12 homozygotes.

Submissions (7):

Labcorp Genetics (formerly Invitae), Labcorp
Classification: Benign. Last evaluated: 2026-01-26. Review status: criteria provided, single submitter. Criteria: Invitae Variant Classification Sherloc (09022015). Collection method: clinical testing. Allele origin: germline.

Blueprint Genetics
Classification: Likely benign. Last evaluated: 2024-11-22. Review status: criteria provided, single submitter. Criteria: ACMG Guidelines, 2015. Collection method: clinical testing. Allele origin: germline.

Dept Of Ophthalmology, Nagoya University
Classification: Benign for Retinal dystrophy. Last evaluated: 2023-10-01. Review status: criteria provided, single submitter. Criteria: Submitter's publication. Collection method: research. Allele origin: germline. Affected: yes.

Illumina Laboratory Services, Illumina
Classification: Uncertain significance for Oguchi disease-1. Last evaluated: 2017-04-28. Review status: criteria provided, single submitter. Criteria: ICSL Variant Classification Criteria 13 December 2019. Collection method: clinical testing. Allele origin: germline.

Illumina Laboratory Services, Illumina
Classification: Uncertain significance for Retinitis pigmentosa. Last evaluated: 2017-04-28. Review status: criteria provided, single submitter. Criteria: ICSL Variant Classification Criteria 13 December 2019. Collection method: clinical testing. Allele origin: germline.
Comment: This variant was observed as part of a predisposition screen in an ostensibly healthy population. A literature search was performed for the gene, cDNA change, and amino acid change (where applicable). Publications were found based on this search. However, the evidence from the literature, in combination with allele frequency data from public databases where available, was not sufficient to rule this variant in or out of causing disease. Therefore, this variant is classified as a variant of unknown significance.

Eurofins Ntd Llc (ga)
Classification: Benign. Last evaluated: 2015-06-24. Review status: criteria provided, single submitter. Criteria: EGL Classification Definitions 2015. Collection method: clinical testing. Allele origin: germline. Observed: 2 variant alleles, 2 heterozygotes.

Department of Ophthalmology and Visual Sciences Kyoto University
Classification: Likely benign. Review status: no assertion criteria provided. Collection method: not provided. Allele origin: unknown. Not counted in ClinVar's aggregate classification.
ClinVar note: Converted during submission from probable-non-pathogenic to Likely benign.

Literature cited by the submitters: PubMed 20981092 (cited by Illumina Laboratory Services, Illumina); PubMed 18175313 (cited by Illumina Laboratory Services, Illumina); PubMed 22995991 (cited by Illumina Laboratory Services, Illumina); PubMed 9501883 (cited by Illumina Laboratory Services, Illumina).

NM_000541.5(SAG):c.250C>T (p.Arg84Cys)

Gene: SAG (S-antigen visual arrestin; plus strand). Cytogenetic location: 2q37.1.
Variant type: single nucleotide variant.
Coding change: c.250C>T on transcript NM_000541.5 (MANE Select); coding-DNA position 250, C replaced by T.
Protein change: p.Arg84Cys; replaces arginine 84 with cysteine.
Molecular consequence: missense variant.
Genome position (GRCh38, 1-based): chr2:233,320,698, C>T. VCF-style: chr2-233320698-C-T. GRCh37 (hg19) VCF-style: chr2-234229344-C-T.
Other names: short protein forms R84C.
Identifiers: ClinVar variation 143084 (VCV000143084.22), dbSNP rs115857633, ClinGen allele CA232819.
Genomic context (GRCh38, chr2:233,320,698, plus strand): 5'-ACTCTGACCTGCGCCTTCCGCTATGGCCAAGAGGACATTGACGTGATCGGCTTGACCTTC[C>T]GCAGGGACCTGTACTTCTCCCGGGTCCAGGTGTATCCTCCTGTGGGGGCCGCGAGCACCC-3'
Protein context (NP_000532.2, residues 74-94): EDIDVIGLTF[Arg84Cys]RDLYFSRVQV